The following is an entry in ClinVar:

ClinVar aggregate classification (germline): Likely benign (0 of 4 stars; one submission).

Conditions:
DNAH17-related disorder. Also called: DNAH17-related condition.

Allele frequency attached by ClinVar (database versions not stated): gnomAD exomes below 0.00001.

Submission:

PreventionGenetics, part of Exact Sciences
Classification: Likely benign for DNAH17-related condition. Last evaluated: 2019-07-19. Review status: no assertion criteria provided. Collection method: clinical testing. Allele origin: germline.
Comment: This variant is classified as likely benign based on ACMG/AMP sequence variant interpretation guidelines (Richards et al. 2015 PMID: 25741868, with internal and published modifications).

NM_173628.4(DNAH17):c.8352C>T (p.Cys2784=)

Gene: DNAH17 (dynein axonemal heavy chain 17; minus strand). Cytogenetic location: 17q25.3.
Variant type: single nucleotide variant.
Coding change: c.8352C>T on transcript NM_173628.4 (MANE Select); coding-DNA position 8352, C replaced by T.
Protein change: p.Cys2784=; no amino-acid change (cysteine 2784 retained).
Molecular consequence: synonymous variant.
Genome position (GRCh38, 1-based): chr17:78,475,437, G>A on the plus strand (C>T on the coding strand, the complement: DNAH17 is on the minus strand). VCF-style: chr17-78475437-G-A. GRCh37 (hg19) VCF-style: chr17-76471519-G-A.
Identifiers: ClinVar variation 3050694 (VCV003050694.2), dbSNP rs2511412067, ClinGen allele CA502118698.